The following is an entry in ClinVar:

NM_000493.4(COL10A1):c.1016C>T (p.Pro339Leu)

Genes: COL10A1 (collagen type X alpha 1 chain; minus strand), NT5DC1 (5'-nucleotidase domain containing 1; plus strand). Cytogenetic location: 6q22.1.
Variant type: single nucleotide variant.
Coding change: c.1016C>T on transcript NM_000493.4 (MANE Select); coding-DNA position 1016, C replaced by T.
Protein change: p.Pro339Leu; replaces proline 339 with leucine.
Molecular consequence: missense variant. On other transcripts: intron variant (1).
Genome position (GRCh38, 1-based): chr6:116,121,100, G>A on the plus strand (C>T on the coding strand, the complement: COL10A1 is on the minus strand). VCF-style: chr6-116121100-G-A. GRCh37 (hg19) VCF-style: chr6-116442263-G-A.
Other names: c.1016C>T, p.Pro339Leu (NM_001424106.1, NM_001424107.1); c.529+3155G>A (NM_152729.3); short protein forms P339L.
Identifiers: ClinVar variation 281436 (VCV000281436.15), dbSNP rs373185008, ClinGen allele CA3968275.

ClinVar aggregate classification (germline): Conflicting classifications of pathogenicity. Review status: criteria provided, conflicting classifications (1 of 4 stars). 5 submissions from 5 submitters: Uncertain significance (4); Likely benign (1). Last evaluated 2024-11-07.

Conditions:
Metaphyseal chondrodysplasia, Schmid type (MCDS). Also called: SPONDYLOMETAPHYSEAL DYSPLASIA, JAPANESE TYPE. Identifiers: Orphanet 174, MedGen C0265289, MONDO:0007983, OMIM 156500.

Allele frequency attached by ClinVar (database versions not stated): gnomAD 0.00002; TOPMed 0.00002; ESP Exome Variant Server 0.00008; gnomAD exomes 0.00008; ExAC 0.00012.
gnomAD v4.1: 125 of 1,613,872 alleles (0.0077%); highest among the groups gnomAD compares: Middle Eastern, 1%; 5 homozygotes.

Submissions (5):

Labcorp Genetics (formerly Invitae), Labcorp
Classification: Uncertain significance. Last evaluated: 2024-11-07. Review status: criteria provided, single submitter. Criteria: Invitae Variant Classification Sherloc (09022015). Collection method: clinical testing. Allele origin: germline.
Comment: This sequence change replaces proline, which is neutral and non-polar, with leucine, which is neutral and non-polar, at codon 339 of the COL10A1 protein (p.Pro339Leu). This variant is present in population databases (rs373185008, gnomAD 0.04%). This variant has not been reported in the literature in individuals affected with COL10A1-related conditions. ClinVar contains an entry for this variant (Variation ID: 281436). Invitae Evidence Modeling of protein sequence and biophysical properties (such as structural, functional, and spatial information, amino acid conservation, physicochemical variation, residue mobility, and thermodynamic stability) has been performed for this missense variant. However, the output from this modeling did not meet the statistical confidence thresholds required to predict the impact of this variant on COL10A1 protein function. In summary, the available evidence is currently insufficient to determine the role of this variant in disease. Therefore, it has been classified as a Variant of Uncertain Significance.

Blueprint Genetics
Classification: Likely benign. Last evaluated: 2024-03-08. Review status: criteria provided, single submitter. Criteria: ACMG Guidelines, 2015. Collection method: clinical testing. Allele origin: germline.

Illumina Laboratory Services, Illumina
Classification: Uncertain significance for Metaphyseal chondrodysplasia, Schmid type. Last evaluated: 2018-01-12. Review status: criteria provided, single submitter. Criteria: ICSL Variant Classification Criteria 13 December 2019. Collection method: clinical testing. Allele origin: germline.

Eurofins Ntd Llc (ga)
Classification: Uncertain significance. Last evaluated: 2016-12-16. Review status: criteria provided, single submitter. Criteria: EGL Classification Definitions 2015. Collection method: clinical testing. Allele origin: germline. Observed: 3 variant alleles, 2 heterozygotes, 1 homozygote.

Breakthrough Genomics
Classification: Uncertain significance. Review status: criteria provided, single submitter. Criteria: ACMG Guidelines, 2015. Collection method: not provided. Allele origin: germline. Inheritance: Autosomal dominant inheritance. Affected: yes.